The following is an entry in ClinVar:

ClinVar aggregate classification (germline): Uncertain significance (1 of 4 stars; one submission).

Allele frequency attached by ClinVar (database versions not stated): TOPMed 0.00006; ESP Exome Variant Server 0.00008.
gnomAD v4.1: 12 of 1,614,172 alleles (0.00074%); highest among the groups gnomAD compares: African/African-American, 0.016%; no homozygotes.

Submission:

Labcorp Genetics (formerly Invitae), Labcorp
Classification: Uncertain significance. Last evaluated: 2022-07-11. Review status: criteria provided, single submitter. Criteria: Invitae Variant Classification Sherloc (09022015). Collection method: clinical testing. Allele origin: germline.
Comment: This sequence change replaces arginine, which is basic and polar, with leucine, which is neutral and non-polar, at codon 636 of the CDHR1 protein (p.Arg636Leu). This variant is present in population databases (rs141835573, gnomAD 0.02%). This variant has not been reported in the literature in individuals affected with CDHR1-related conditions. ClinVar contains an entry for this variant (Variation ID: 1023780). Advanced modeling of protein sequence and biophysical properties (such as structural, functional, and spatial information, amino acid conservation, physicochemical variation, residue mobility, and thermodynamic stability) performed at Invitae indicates that this missense variant is not expected to disrupt CDHR1 protein function. In summary, the available evidence is currently insufficient to determine the role of this variant in disease. Therefore, it has been classified as a Variant of Uncertain Significance.

NM_033100.4(CDHR1):c.1907G>T (p.Arg636Leu)

Gene: CDHR1 (cadherin related family member 1; plus strand). Cytogenetic location: 10q23.1.
Variant type: single nucleotide variant.
Coding change: c.1907G>T on transcript NM_033100.4 (MANE Select); coding-DNA position 1907, G replaced by T.
Protein change: p.Arg636Leu; replaces arginine 636 with leucine.
Molecular consequence: missense variant.
Genome position (GRCh38, 1-based): chr10:84,213,215, G>T. VCF-style: chr10-84213215-G-T. GRCh37 (hg19) VCF-style: chr10-85972971-G-T.
Other names: c.1907G>T, p.Arg636Leu (NM_001171971.3); short protein forms R636L.
Identifiers: ClinVar variation 1023780 (VCV001023780.5), dbSNP rs141835573, ClinGen allele CA5580087.